The following is an entry in ClinVar:

NM_001330260.2(SCN8A):c.2074G>A (p.Gly692Arg)

Gene: SCN8A (sodium voltage-gated channel alpha subunit 8; plus strand). Cytogenetic location: 12q13.13.
Variant type: single nucleotide variant.
Coding change: c.2074G>A on transcript NM_001330260.2 (MANE Select); coding-DNA position 2074, G replaced by A.
Protein change: p.Gly692Arg; replaces glycine 692 with arginine.
Molecular consequence: missense variant.
Genome position (GRCh38, 1-based): chr12:51,745,978, G>A. VCF-style: chr12-51745978-G-A. GRCh37 (hg19) VCF-style: chr12-52139762-G-A.
Other names: c.2074G>A, p.Gly692Arg (NM_001177984.3, NM_001369788.1, NM_014191.4); short protein forms G692R.
Identifiers: ClinVar variation 943153 (VCV000943153.12), dbSNP rs1037521613, ClinGen allele CA236309296.

ClinVar aggregate classification (germline): Conflicting classifications of pathogenicity. Review status: criteria provided, conflicting classifications (1 of 4 stars). 3 submissions from 3 submitters: Uncertain significance (2); Likely benign (1). Last evaluated 2025-11-06.

Conditions:
Early-infantile DEE. Also called: Early infantile epileptic encephalopathy with suppression bursts; Early infantile epileptic encephalopathy; Ohtahara syndrome. Identifiers: Orphanet 1934, MedGen C0393706, MONDO:0800491.

Allele frequency attached by ClinVar (database versions not stated): gnomAD exomes below 0.00001 and 0.00001; gnomAD 0.00001; TOPMed 0.00002.
gnomAD v4.1: 13 of 1,611,190 alleles (0.00081%); highest among the groups gnomAD compares: Admixed American, 0.0033%; no homozygotes.

Submissions (3):

Labcorp Genetics (formerly Invitae), Labcorp
Classification: Uncertain significance for Early-infantile DEE. Last evaluated: 2025-11-06. Review status: criteria provided, single submitter. Criteria: Invitae Variant Classification Sherloc (09022015). Collection method: clinical testing. Allele origin: germline.
Comment: This sequence change replaces glycine, which is neutral and non-polar, with arginine, which is basic and polar, at codon 692 of the SCN8A protein (p.Gly692Arg). This variant is present in population databases (no rsID available, gnomAD 0.0009%). This missense change has been observed in individual(s) with epilepsy (PMID: 31069529). ClinVar contains an entry for this variant (Variation ID: 943153). Invitae Evidence Modeling of protein sequence and biophysical properties (such as structural, functional, and spatial information, amino acid conservation, physicochemical variation, residue mobility, and thermodynamic stability) indicates that this missense variant is not expected to disrupt SCN8A protein function with a negative predictive value of 95%. In summary, the available evidence is currently insufficient to determine the role of this variant in disease. Therefore, it has been classified as a Variant of Uncertain Significance.

GeneDx
Classification: Likely benign. Last evaluated: 2024-04-17. Review status: criteria provided, single submitter. Criteria: GeneDx Variant Classification Process June 2021. Collection method: clinical testing. Allele origin: germline. Affected: yes.
Comment: See Variant Classification Assertion Criteria.

Revvity Omics, Revvity
Classification: Uncertain significance. Last evaluated: 2023-01-05. Review status: criteria provided, single submitter. Criteria: ACMG Guidelines, 2015. Collection method: clinical testing. Allele origin: germline.

Literature cited by the submitters: PubMed 31069529 (cited by Labcorp Genetics (formerly Invitae), Labcorp).